The following is an entry in ClinVar:

NM_021815.5(SLC5A7):c.1293C>G (p.Asn431Lys)

Gene: SLC5A7 (solute carrier family 5 member 7; plus strand). Cytogenetic location: 2q12.3.
Variant type: single nucleotide variant.
Coding change: c.1293C>G on transcript NM_021815.5 (MANE Select); coding-DNA position 1293, C replaced by G.
Protein change: p.Asn431Lys; replaces asparagine 431 with lysine.
Molecular consequence: missense variant.
Genome position (GRCh38, 1-based): chr2:108,010,411, C>G. VCF-style: chr2-108010411-C-G. GRCh37 (hg19) VCF-style: chr2-108626867-C-G.
Other names: c.1293C>G, p.Asn431Lys (NM_001305005.3); c.978C>G, p.Asn326Lys (NM_001305006.3); c.552C>G, p.Asn184Lys (NM_001305007.3); short protein forms N184K, N326K, N431K.
Identifiers: ClinVar variation 1701804 (VCV001701804.5), dbSNP rs2104383095, ClinGen allele CA348114261.

ClinVar aggregate classification (germline): Uncertain significance. Review status: criteria provided, single submitter (1 of 4 stars). 2 submissions from 2 submitters: Uncertain significance (1). 1 of the submissions does not count toward it. Last evaluated 2023-02-14.

Conditions:
Neuronopathy, distal hereditary motor, type 7A. Also called: NEURONOPATHY, DISTAL HEREDITARY MOTOR, HARDING TYPE VIIA; NEUROPATHY, DISTAL HEREDITARY MOTOR, HARDING TYPE VIIA; Neuronopathy, distal hereditary motor, autosomal dominant 7; SPINAL MUSCULAR ATROPHY, DISTAL, WITH VOCAL CORD PARALYSIS; Neuronopathy, distal hereditary motor, type viia; HARPER-YOUNG MYOPATHY. Identifiers: Orphanet 139589, MedGen C1834703, MONDO:0008024, OMIM 158580.
Congenital myasthenic syndrome 20. Also called: Myasthenic syndrome, congenital, 20, presynaptic. Identifiers: MedGen C4310694, MONDO:0014939, OMIM 617143.

Submissions (2):

Labcorp Genetics (formerly Invitae), Labcorp
Classification: Uncertain significance for Neuronopathy, distal hereditary motor, type 7A; Congenital myasthenic syndrome 20. Last evaluated: 2023-02-14. Review status: criteria provided, single submitter. Criteria: Invitae Variant Classification Sherloc (09022015). Collection method: clinical testing. Allele origin: germline.
Comment: This variant has not been reported in the literature in individuals affected with SLC5A7-related conditions. This sequence change replaces asparagine, which is neutral and polar, with lysine, which is basic and polar, at codon 431 of the SLC5A7 protein (p.Asn431Lys). This variant is not present in population databases (gnomAD no frequency). ClinVar contains an entry for this variant (Variation ID: 1701804). Advanced modeling of protein sequence and biophysical properties (such as structural, functional, and spatial information, amino acid conservation, physicochemical variation, residue mobility, and thermodynamic stability) performed at Invitae indicates that this missense variant is expected to disrupt SLC5A7 protein function. In summary, the available evidence is currently insufficient to determine the role of this variant in disease. Therefore, it has been classified as a Variant of Uncertain Significance.

Department of Biology and Medical Genetics, Second Faculty of Medicine, Charles University
Classification: Likely pathogenic for Congenital myasthenic syndrome 20. Review status: no assertion criteria provided. Collection method: research. Allele origin: maternal. Affected: yes. Observed: 1 compound heterozygote. Not counted in ClinVar's aggregate classification.